The following is an entry in ClinVar:

ClinVar aggregate classification (germline): Uncertain significance (1 of 4 stars; one submission).

Submission:

GeneDx
Classification: Uncertain significance. Last evaluated: 2024-12-31. Review status: criteria provided, single submitter. Criteria: GeneDx Variant Classification Process June 2021. Collection method: clinical testing. Allele origin: germline. Affected: yes.
Comment: Not observed at significant frequency in large population cohorts (gnomAD); In silico analysis supports that this missense variant has a deleterious effect on protein structure/function; Has not been previously published as pathogenic or benign to our knowledge

NM_139125.4(MASP1):c.1945T>C (p.Cys649Arg)

Gene: MASP1 (MBL associated serine protease 1; minus strand). Cytogenetic location: 3q27.3.
Variant type: single nucleotide variant.
Coding change: c.1945T>C on transcript NM_139125.4 (MANE Select); coding-DNA position 1945, T replaced by C.
Protein change: p.Cys649Arg; replaces cysteine 649 with arginine.
Molecular consequence: missense variant. On other transcripts: non-coding transcript variant (1), intron variant (1).
Genome position (GRCh38, 1-based): chr3:187,235,926, A>G on the plus strand (T>C on the coding strand, the complement: MASP1 is on the minus strand). VCF-style: chr3-187235926-A-G. GRCh37 (hg19) VCF-style: chr3-186953714-A-G.
Other names: c.1303+5555T>C (NM_001879.6); short protein forms C649R.
Identifiers: ClinVar variation 3907745 (VCV003907745.1).